The following is an entry in ClinVar:

ClinVar aggregate classification (germline): Uncertain significance (1 of 4 stars; one submission).

Allele frequency attached by ClinVar (database versions not stated): gnomAD exomes below 0.00001; TOPMed below 0.00001; ExAC 0.00001.
gnomAD v4.1: 1 of 1,610,958 alleles (0.000062%); highest among the groups gnomAD compares: Admixed American, 0.0017%; no homozygotes.

Submission:

Labcorp Genetics (formerly Invitae), Labcorp
Classification: Uncertain significance. Last evaluated: 2022-08-15. Review status: criteria provided, single submitter. Criteria: Invitae Variant Classification Sherloc (09022015). Collection method: clinical testing. Allele origin: germline.
Comment: This sequence change replaces tyrosine, which is neutral and polar, with histidine, which is basic and polar, at codon 71 of the ERCC8 protein (p.Tyr71His). This variant is present in population databases (rs745763079, gnomAD 0.003%). This variant has not been reported in the literature in individuals affected with ERCC8-related conditions. Algorithms developed to predict the effect of missense changes on protein structure and function are either unavailable or do not agree on the potential impact of this missense change (SIFT: "Deleterious"; PolyPhen-2: "Benign"; Align-GVGD: "Class C0"). In summary, the available evidence is currently insufficient to determine the role of this variant in disease. Therefore, it has been classified as a Variant of Uncertain Significance.

NM_000082.4(ERCC8):c.211T>C (p.Tyr71His)

Gene: ERCC8 (ERCC excision repair 8, CSA ubiquitin ligase complex subunit; minus strand). Cytogenetic location: 5q12.1.
Variant type: single nucleotide variant.
Coding change: c.211T>C on transcript NM_000082.4 (MANE Select); coding-DNA position 211, T replaced by C.
Protein change: p.Tyr71His; replaces tyrosine 71 with histidine.
Molecular consequence: missense variant. On other transcripts: 5 prime UTR variant (1).
Genome position (GRCh38, 1-based): chr5:60,922,118, A>G on the plus strand (T>C on the coding strand, the complement: ERCC8 is on the minus strand). VCF-style: chr5-60922118-A-G. GRCh37 (hg19) VCF-style: chr5-60217945-A-G.
Other names: c.37T>C, p.Tyr13His (NM_001007233.3); c.211T>C, p.Tyr71His (NM_001007234.3); c.-167T>C (NM_001290285.2); short protein forms Y13H, Y71H.
Identifiers: ClinVar variation 1931458 (VCV001931458.2), dbSNP rs745763079, ClinGen allele CA3277915.
Genomic context (GRCh38, chr5:60,922,118, plus strand): 5'-CAATGGAACACACTGCTTTACATGTGTAATAAGATTGTCTGCTGGAGTTCTCAAGGTCAT[A>G]AAGTACAATCACACCATCTGAACCACCTGATAACATGCTGATAATAAAAAAGTTCACATT-3'
Protein context (NP_000073.1, residues 61-81): SGGSDGVIVL[Tyr71His]DLENSSRQSY